The following is an entry in ClinVar:

ClinVar aggregate classification (germline): Likely benign (1 of 4 stars; one submission).

Allele frequency attached by ClinVar (database versions not stated): gnomAD 0.00004; 1000 Genomes Project 30x 0.00016; ExAC 0.00021.

Submission:

CeGaT Center for Human Genetics Tuebingen
Classification: Likely benign. Last evaluated: 2023-03-01. Review status: criteria provided, single submitter. Criteria: CeGaT Center For Human Genetics Tuebingen Variant Classification Criteria Version 2. Collection method: clinical testing. Allele origin: germline. Affected: yes. Observed: 1 variant allele.
Comment: INTS1: BP4, BP7

NM_001080453.3(INTS1):c.4188C>T (p.Pro1396=)

Gene: INTS1 (integrator complex subunit 1; minus strand). Cytogenetic location: 7p22.3.
Variant type: single nucleotide variant.
Coding change: c.4188C>T on transcript NM_001080453.3 (MANE Select); coding-DNA position 4188, C replaced by T.
Protein change: p.Pro1396=; no amino-acid change (proline 1396 retained).
Molecular consequence: synonymous variant.
Genome position (GRCh38, 1-based): chr7:1,479,571, G>A on the plus strand (C>T on the coding strand, the complement: INTS1 is on the minus strand). VCF-style: chr7-1479571-G-A. GRCh37 (hg19) VCF-style: chr7-1519207-G-A.
Other names: c.705C>T, p.Pro235= (NM_015674.1).
Identifiers: ClinVar variation 2657193 (VCV002657193.24), dbSNP rs749123315, ClinGen allele CA4118948.